The following is an entry in ClinVar:

ClinVar aggregate classification (germline): Uncertain significance. Review status: criteria provided, multiple submitters, no conflicts (2 of 4 stars). 2 submissions from 2 submitters: Uncertain significance (2). Last evaluated 2025-10-08.

Conditions:
Hereditary cancer-predisposing syndrome. Also called: Hereditary Cancer Syndrome; Hereditary neoplastic syndrome; Neoplastic Syndromes, Hereditary; Tumor predisposition. Identifiers: Orphanet 140162, MedGen C0027672, MeSH D009386, MONDO:0015356.

Submissions (2):

Ambry Genetics
Classification: Uncertain significance for Hereditary cancer-predisposing syndrome. Last evaluated: 2025-10-08. Review status: criteria provided, single submitter. Criteria: Ambry Variant Classification Scheme 2023. Collection method: clinical testing. Allele origin: germline.
Comment: The p.E622D variant (also known as c.1866G>C), located in coding exon 13 of the MSH3 gene, results from a G to C substitution at nucleotide position 1866. The glutamic acid at codon 622 is replaced by aspartic acid, an amino acid with highly similar properties. This amino acid position is conserved. In addition, the in silico prediction for this alteration is inconclusive. Based on the available evidence, the clinical significance of this variant remains unclear.

Sema4
Classification: Uncertain significance for Hereditary cancer-predisposing syndrome. Last evaluated: 2021-12-23. Review status: criteria provided, single submitter. Criteria: Sema4 Curation Guidelines. Collection method: curation. Allele origin: germline.
Comment: The MSH3 c.1866G>C (p.E622D) variant has not been reported in the literature to our knowledge. It was not observed in the large and broad cohorts of the Genome Aggregation Database (PMID: 32461654), and has not been reported in ClinVar. Functional studies have not been performed, and in silico predictions of the variant's effect on protein function are inconclusive. The evidence is insufficient to meet ACMG/AMP criteria for classifying the variant as benign or pathogenic. Thus, the clinical significance of this variant is currently uncertain.

NM_002439.5(MSH3):c.1866G>C (p.Glu622Asp)

Gene: MSH3 (mutS homolog 3; plus strand). Cytogenetic location: 5q14.1.
Variant type: single nucleotide variant.
Coding change: c.1866G>C on transcript NM_002439.5 (MANE Select); coding-DNA position 1866, G replaced by C.
Protein change: p.Glu622Asp; replaces glutamic acid 622 with aspartic acid.
Molecular consequence: missense variant.
Genome position (GRCh38, 1-based): chr5:80,761,648, G>C. VCF-style: chr5-80761648-G-C. GRCh37 (hg19) VCF-style: chr5-80057467-G-C.
Other names: c.1866G>C (NM_002439.3); short protein forms E622D.
Identifiers: ClinVar variation 1692665 (VCV001692665.2), dbSNP rs1744037184, ClinGen allele CA360276681.